The following is an entry in ClinVar:

NM_001079.4(ZAP70):c.1819C>T (p.Pro607Ser)

Gene: ZAP70 (zeta chain of T cell receptor associated protein kinase 70; plus strand). Cytogenetic location: 2q11.2.
Variant type: single nucleotide variant.
Coding change: c.1819C>T on transcript NM_001079.4 (MANE Select); coding-DNA position 1819, C replaced by T.
Protein change: p.Pro607Ser; replaces proline 607 with serine.
Molecular consequence: missense variant.
Genome position (GRCh38, 1-based): chr2:97,739,457, C>T. VCF-style: chr2-97739457-C-T. GRCh37 (hg19) VCF-style: chr2-98355920-C-T.
Other names: c.1819C>T, p.Pro607Ser (NM_001378594.1); c.898C>T, p.Pro300Ser (NM_207519.2); short protein forms P607S, P300S.
Identifiers: ClinVar variation 1400362 (VCV001400362.8), dbSNP rs777594416, ClinGen allele CA1790582.

ClinVar aggregate classification (germline): Uncertain significance (1 of 4 stars; one submission).

Conditions:
Combined immunodeficiency due to ZAP70 deficiency (IMD48). Also called: Immunodeficiency 48; ZAP70 Deficiency. Identifiers: Orphanet 911, MedGen C2931299, MONDO:0010023, OMIM 269840.

Allele frequency attached by ClinVar (database versions not stated): gnomAD exomes below 0.00001; ExAC 0.00001.
gnomAD v4.1: 1 of 1,613,722 alleles (0.000062%); highest among the groups gnomAD compares: South Asian, 0.0011%; no homozygotes.

Submission:

Labcorp Genetics (formerly Invitae), Labcorp
Classification: Uncertain significance for Combined immunodeficiency due to ZAP70 deficiency. Last evaluated: 2025-07-28. Review status: criteria provided, single submitter. Criteria: Invitae Variant Classification Sherloc (09022015). Collection method: clinical testing. Allele origin: germline.
Comment: This sequence change replaces proline, which is neutral and non-polar, with serine, which is neutral and polar, at codon 607 of the ZAP70 protein (p.Pro607Ser). This variant is present in population databases (rs777594416, gnomAD 0.003%). This variant has not been reported in the literature in individuals affected with ZAP70-related conditions. ClinVar contains an entry for this variant (Variation ID: 1400362). An algorithm developed to predict the effect of missense changes on protein structure and function outputs the following: PolyPhen-2: "Benign". The serine amino acid residue is found in multiple mammalian species, which suggests that this missense change does not adversely affect protein function. In summary, the available evidence is currently insufficient to determine the role of this variant in disease. Therefore, it has been classified as a Variant of Uncertain Significance.